The following is an entry in ClinVar:

NM_017780.4(CHD7):c.8176G>T (p.Ala2726Ser)

Gene: CHD7 (chromodomain helicase DNA binding protein 7; plus strand). Cytogenetic location: 8q12.2.
Variant type: single nucleotide variant.
Coding change: c.8176G>T on transcript NM_017780.4 (MANE Select); coding-DNA position 8176, G replaced by T.
Protein change: p.Ala2726Ser; replaces alanine 2726 with serine.
Molecular consequence: missense variant.
Genome position (GRCh38, 1-based): chr8:60,865,115, G>T. VCF-style: chr8-60865115-G-T. GRCh37 (hg19) VCF-style: chr8-61777674-G-T.
Other names: c.2029G>T, p.Ala677Ser (NM_001316690.1); short protein forms A2726S, A677S.
Identifiers: ClinVar variation 2880622 (VCV002880622.3), dbSNP rs749452262, ClinGen allele CA371307552.

ClinVar aggregate classification (germline): Uncertain significance (1 of 4 stars; one submission).

Conditions:
CHARGE syndrome (CHARGE). Also called: Hittner Hirsch Kreh syndrome; CHARGE ASSOCIATION--COLOBOMA, HEART ANOMALY, CHOANAL ATRESIA, RETARDATION, GENITAL AND EAR ANOMALIES; Coloboma, heart anomaly, choanal atresia, retardation, genital and ear anomalies; CHARGE association; Hall-Hittner syndrome. Identifiers: Orphanet 138, MedGen C0265354, MONDO:0008965.

gnomAD v4.1: 5 of 1,610,408 alleles (0.00031%); highest among the groups gnomAD compares: African/African-American, 0.0013%; no homozygotes.

Submission:

Labcorp Genetics (formerly Invitae), Labcorp
Classification: Uncertain significance for CHARGE syndrome. Last evaluated: 2023-11-25. Review status: criteria provided, single submitter. Criteria: Invitae Variant Classification Sherloc (09022015). Collection method: clinical testing. Allele origin: germline.
Comment: This sequence change replaces alanine, which is neutral and non-polar, with serine, which is neutral and polar, at codon 2726 of the CHD7 protein (p.Ala2726Ser). This variant is not present in population databases (gnomAD no frequency). This variant has not been reported in the literature in individuals affected with CHD7-related conditions. Advanced modeling of protein sequence and biophysical properties (such as structural, functional, and spatial information, amino acid conservation, physicochemical variation, residue mobility, and thermodynamic stability) performed at Invitae indicates that this missense variant is not expected to disrupt CHD7 protein function with a negative predictive value of 95%. In summary, the available evidence is currently insufficient to determine the role of this variant in disease. Therefore, it has been classified as a Variant of Uncertain Significance.